The following is an entry in ClinVar:

NM_001231.5(CASQ1):c.1061C>T (p.Ala354Val)

Gene: CASQ1 (calsequestrin 1; plus strand). Cytogenetic location: 1q23.2.
Variant type: single nucleotide variant.
Coding change: c.1061C>T on transcript NM_001231.5 (MANE Select); coding-DNA position 1061, C replaced by T.
Protein change: p.Ala354Val; replaces alanine 354 with valine.
Molecular consequence: missense variant.
Genome position (GRCh38, 1-based): chr1:160,201,246, C>T. VCF-style: chr1-160201246-C-T. GRCh37 (hg19) VCF-style: chr1-160171036-C-T.
Other names: c.1061C>T (NM_001231.4); short protein forms A354V.
Identifiers: ClinVar variation 1510878 (VCV001510878.37), dbSNP rs147541452, ClinGen allele CA1196461.
Genomic context (GRCh38, chr1:160,201,246, plus strand): 5'-GACAGATCCTAAGACCCGGGTTGGACTTAGCTTCCGTCCCTGCCTGTGCCATCTCCTAGG[C>T]GGATAGCGTATGGATGGAAATGGACGATGAGGAGGACCTGCCTTCTGCTGAGGAGCTGGA-3'
Protein context (NP_001222.3, residues 344-364): PQIGVVNVTD[Ala354Val]DSVWMEMDDE

ClinVar aggregate classification (germline): Conflicting classifications of pathogenicity. Review status: criteria provided, conflicting classifications (1 of 4 stars). 4 submissions from 4 submitters: Uncertain significance (3); Likely benign (1). Last evaluated 2025-10-24.

Conditions:
Inborn genetic diseases. Identifiers: MedGen C0950123, MeSH D030342.
Myopathy due to calsequestrin and SERCA1 protein overload. Also called: Myopathy, vacuolar, with casq1 aggregates. Identifiers: Orphanet 88635, MedGen C4015624, MONDO:0014546, OMIM 616231.

Allele frequency attached by ClinVar (database versions not stated): ExAC 0.00014; gnomAD exomes 0.00014; TOPMed 0.00015; gnomAD 0.00020 and 0.00023; ESP Exome Variant Server 0.00023.
gnomAD v4.1: 560 of 1,612,142 alleles (0.035%); highest among the groups gnomAD compares: Non-Finnish European, 0.044%; no homozygotes.

Submissions (4):

Labcorp Genetics (formerly Invitae), Labcorp
Classification: Uncertain significance. Last evaluated: 2025-10-24. Review status: criteria provided, single submitter. Criteria: Invitae Variant Classification Sherloc (09022015). Collection method: clinical testing. Allele origin: germline.
Comment: This sequence change replaces alanine, which is neutral and non-polar, with valine, which is neutral and non-polar, at codon 354 of the CASQ1 protein (p.Ala354Val). This variant is present in population databases (rs147541452, gnomAD 0.03%). This variant has not been reported in the literature in individuals affected with CASQ1-related conditions. ClinVar contains an entry for this variant (Variation ID: 1510878). An algorithm developed to predict the effect of missense changes on protein structure and function (PolyPhen-2) suggests that this variant is likely to be tolerated. In summary, the available evidence is currently insufficient to determine the role of this variant in disease. Therefore, it has been classified as a Variant of Uncertain Significance.

Ambry Genetics
Classification: Uncertain significance for Inborn genetic diseases. Last evaluated: 2025-09-05. Review status: criteria provided, single submitter. Criteria: Ambry Variant Classification Scheme 2023. Collection method: clinical testing. Allele origin: germline.

CeGaT Center for Human Genetics Tuebingen
Classification: Likely benign. Last evaluated: 2023-01-01. Review status: criteria provided, single submitter. Criteria: CeGaT Center For Human Genetics Tuebingen Variant Classification Criteria Version 2. Collection method: clinical testing. Allele origin: germline. Affected: yes. Observed: 1 variant allele.
Comment: CASQ1: BS1:Supporting

Breda Genetics srl
Classification: Uncertain significance for Myopathy due to calsequestrin and SERCA1 protein overload. Last evaluated: 2022-05-17. Review status: criteria provided, single submitter. Criteria: ACMG Guidelines, 2015. Collection method: clinical testing. Allele origin: germline. Inheritance: Autosomal dominant inheritance. Affected: yes. Observed: 1 variant allele, 1 heterozygote.
Comment: The variant c.1061C>T (p.Ala354Val) in the CASQ1 gene is reported as uncertain in ClinVar (Variation ID: 1510878). The variant is reported with an estimated allele frequency of 0.0001371 in gnomAD exomes and 0.0001912 in gnomAD genomes, with no homozygous individuals reported. The nucleotide position is conserved across 35 mammalian species (GERP RS: 4.77). In silico analysis indicates that the variant might be damaging.